The following is an entry in ClinVar:

NM_001243133.2(NLRP3):c.2151-6T>A

Gene: NLRP3 (NLR family pyrin domain containing 3; plus strand). Cytogenetic location: 1q44.
Variant type: single nucleotide variant.
Coding change: c.2151-6T>A on transcript NM_001243133.2 (MANE Select); 6 bases into the intron before coding-DNA position 2151, T replaced by A.
Molecular consequence: intron variant.
Genome position (GRCh38, 1-based): chr1:247,429,579, T>A. VCF-style: chr1-247429579-T-A. GRCh37 (hg19) VCF-style: chr1-247592881-T-A.
Other names: c.2157-6T>A (NM_004895.5); c.2151-6T>A (NM_001127461.3, NM_001079821.3); c.2150+3980T>A (NM_001127462.3, NM_183395.3).
Identifiers: ClinVar variation 2033395 (VCV002033395.5), dbSNP rs2527318779, ClinGen allele CA2580063586.

ClinVar aggregate classification (germline): Uncertain significance (1 of 4 stars; one submission).

Conditions:
Cryopyrin associated periodic syndrome (CAPS). Identifiers: Orphanet 208650, MedGen C2316212, MONDO:0016168.

Allele frequency attached by ClinVar (database versions not stated): gnomAD exomes below 0.00001.
gnomAD v4.1: 1 of 1,614,140 alleles (0.000062%); highest among the groups gnomAD compares: Non-Finnish European, 0.000085%; no homozygotes.

Submissions (2):

Labcorp Genetics (formerly Invitae), Labcorp
Classification: Uncertain significance for Cryopyrin associated periodic syndrome. Last evaluated: 2022-10-07. Review status: criteria provided, single submitter. Criteria: Invitae Variant Classification Sherloc (09022015). Collection method: clinical testing. Allele origin: germline.
Comment: This sequence change falls in intron 3 of the NLRP3 gene. It does not directly change the encoded amino acid sequence of the NLRP3 protein. This variant is not present in population databases (gnomAD no frequency). This variant has not been reported in the literature in individuals affected with NLRP3-related conditions. Algorithms developed to predict the effect of sequence changes on RNA splicing suggest that this variant may disrupt the consensus splice site. In summary, the available evidence is currently insufficient to determine the role of this variant in disease. Therefore, it has been classified as a Variant of Uncertain Significance.

Dr. Peter K. Rogan Lab, Western University
No classification provided (evidence only). Condition: Familial cancer of breast. Review status: no classification provided. Collection method: in vitro. Allele origin: not applicable. Functional consequence: skipped exon. Not counted in ClinVar's aggregate classification.